The following is an entry in ClinVar:

NM_000038.6(APC):c.3709C>T (p.Gln1237Ter)

Gene: APC (APC regulator of Wnt signaling pathway; plus strand). Cytogenetic location: 5q22.2.
Variant type: single nucleotide variant.
Coding change: c.3709C>T on transcript NM_000038.6 (MANE Select); coding-DNA position 3709, C replaced by T.
Protein change: p.Gln1237Ter; replaces glutamine 1237 with a stop codon.
Molecular consequence: nonsense.
Genome position (GRCh38, 1-based): chr5:112,839,303, C>T. VCF-style: chr5-112839303-C-T. GRCh37 (hg19) VCF-style: chr5-112175000-C-T.
Other names: c.3709C>T, p.Gln1237Ter (NM_001127510.3, NM_001354895.2); c.3655C>T, p.Gln1219Ter (NM_001127511.3); c.3763C>T, p.Gln1255Ter (NM_001354896.2); c.3739C>T, p.Gln1247Ter (NM_001354897.2); c.3634C>T, p.Gln1212Ter (NM_001354898.2); c.3625C>T, p.Gln1209Ter (NM_001354899.2); c.3586C>T, p.Gln1196Ter (NM_001354900.2); c.3532C>T, p.Gln1178Ter (NM_001354901.2); and 5 more; short protein forms Q1077*, Q1111*, Q1136*, Q1146*, Q1178*, Q1196*, Q1209*, Q1212*.
Identifiers: ClinVar variation 1071298 (VCV001071298.11), dbSNP rs1185643240, ClinGen allele CA16029471.

ClinVar aggregate classification (germline): Pathogenic. Review status: criteria provided, multiple submitters, no conflicts (2 of 4 stars). 2 submissions from 2 submitters: Pathogenic (2). Last evaluated 2021-07-09.

Conditions:
Familial adenomatous polyposis 1 (FAP1). Also called: POLYPOSIS, ADENOMATOUS INTESTINAL; FAMILIAL ADENOMATOUS POLYPOSIS 1, ATTENUATED. Identifiers: MedGen C2713442, MONDO:0021056, OMIM 175100. Disease mechanism: loss of function.

Submissions (2):

Labcorp Genetics (formerly Invitae), Labcorp
Classification: Pathogenic for Familial adenomatous polyposis 1. Last evaluated: 2021-07-09. Review status: criteria provided, single submitter. Criteria: Invitae Variant Classification Sherloc (09022015). Collection method: clinical testing. Allele origin: germline.
Comment: This sequence change results in a premature translational stop signal in the APC gene (p.Gln1237*). While this is not anticipated to result in nonsense mediated decay, it is expected to delete the last 1607 amino acids of the APC protein. This variant is not present in population databases (ExAC no frequency). This variant has been observed in an individual affected with familial adenomatous polyposis (PMID: 20513532). This variant is expected to delete a large portion of the C-terminal region of the APC protein, including the Basic Domain, the EB1 Binding Site, and the HDLG Binding Site, which mediate interactions with the cytoskeleton (PMID: 15311282, 17293347). Although functional studies have not been performed for this variant, different truncating variants (p.Ser1276* and p.Arg1450*) that lie downstream of this variant have been determined to be pathogenic (PMID: 9452101, 15108286, 8103406, 8730280, 8990002). This suggests that deletion of this region of the APC protein is causative of disease. For these reasons, this variant has been classified as Pathogenic.

Quest Diagnostics Nichols Institute San Juan Capistrano
Classification: Pathogenic. Last evaluated: 2021-04-20. Review status: criteria provided, single submitter. Criteria: Quest Diagnostics criteria. Collection method: clinical testing. Allele origin: unknown.
Comment: This nonsense variant causes the premature termination of APC protein synthesis. In addition, it has been reported in an individual affected with familial adenomatous polyposis (FAP) in the published literature (PMID: 20513532 (2010) and 27158207 (2016)). This variant has not been reported in large, multi-ethnic general populations. Therefore, the variant is classified as pathogenic.

Literature cited by the submitters: PubMed 20513532 (cited by Labcorp Genetics (formerly Invitae), Labcorp and Quest Diagnostics Nichols Institute San Juan Capistrano); PubMed 15311282 (cited by Labcorp Genetics (formerly Invitae), Labcorp); PubMed 17293347 (cited by Labcorp Genetics (formerly Invitae), Labcorp); PubMed 9452101 (cited by Labcorp Genetics (formerly Invitae), Labcorp); PubMed 15108286 (cited by Labcorp Genetics (formerly Invitae), Labcorp); PubMed 8103406 (cited by Labcorp Genetics (formerly Invitae), Labcorp); PubMed 8730280 (cited by Labcorp Genetics (formerly Invitae), Labcorp); PubMed 8990002 (cited by Labcorp Genetics (formerly Invitae), Labcorp); PubMed 27158207 (cited by Quest Diagnostics Nichols Institute San Juan Capistrano).